The following is an entry in ClinVar:

ClinVar aggregate classification (germline): Pathogenic (1 of 4 stars; one submission).

Conditions:
Hereditary cancer-predisposing syndrome. Also called: Neoplastic Syndromes, Hereditary; Tumor predisposition; Hereditary neoplastic syndrome; Hereditary Cancer Syndrome. Identifiers: Orphanet 140162, MedGen C0027672, MeSH D009386, MONDO:0015356.

Submission:

Ambry Genetics
Classification: Pathogenic for Hereditary cancer-predisposing syndrome. Last evaluated: 2022-11-16. Review status: criteria provided, single submitter. Criteria: Ambry Variant Classification Scheme 2023. Collection method: clinical testing. Allele origin: germline.
Comment: The p.H115Y pathogenic mutation (also known as c.343C>T), located in coding exon 2 of the VHL gene, results from a C to T substitution at nucleotide position 343. The histidine at codon 115 is replaced by tyrosine, an amino acid with similar properties. This alteration has been reported in multiple individuals with a clinical diagnosis of von Hippel-Lindau disease (VHL) (Ambry internal data; Glavac D et al. Hum Genet, 1996 Sep;98:271-80; Dollfus H et al. Invest Ophthalmol Vis Sci, 2002 Sep;43:3067-74). Another alteration at the same codon, p.H115R (c.344A>G), has been reported in individuals with a clinical diagnosis of (VHL), including one patient with this alteration identified as a de novo finding (Ambry internal data; Glavac D et al. Hum Genet, 1996 Sep;98:271-80; Wu P et al. J Hum Genet, 2012 Apr;57:238-43). This amino acid position is highly conserved in available vertebrate species. The p.H115Y variant is considered to be rare based on population cohorts in the Genome Aggregation Database (gnomAD). In addition, this alteration is predicted to be deleterious by in silico analysis. Based on the supporting evidence, this alteration is interpreted as a disease-causing mutation.

Literature cited by the submitters: PubMed 12202531; PubMed 8707293.

NM_000551.4(VHL):c.343C>T (p.His115Tyr)

Genes: VHL (von Hippel-Lindau tumor suppressor; plus strand), LOC107303340 (3p25 von Hippel-Lindau tumor suppressor, E3 ubiquitin protein ligase Alu-mediated recombination region; plus strand). Cytogenetic location: 3p25.3.
Variant type: single nucleotide variant.
Coding change: c.343C>T on transcript NM_000551.4 (MANE Select); coding-DNA position 343, C replaced by T.
Protein change: p.His115Tyr; replaces histidine 115 with tyrosine.
Molecular consequence: missense variant. On other transcripts: non-coding transcript variant (1), intron variant (2).
Genome position (GRCh38, 1-based): chr3:10,146,516, C>T. VCF-style: chr3-10146516-C-T. GRCh37 (hg19) VCF-style: chr3-10188200-C-T.
Other names: c.*18-3271C>T (NM_001354723.2); c.341-3271C>T (NM_198156.3); short protein forms H115Y.
Identifiers: ClinVar variation 2451969 (VCV002451969.2), dbSNP rs5030811, ClinGen allele CA16621930.